The following is an entry in ClinVar:

NM_001458.5(FLNC):c.3108C>A (p.Tyr1036Ter)

Gene: FLNC (filamin C; plus strand). Cytogenetic location: 7q32.1.
Variant type: single nucleotide variant.
Coding change: c.3108C>A on transcript NM_001458.5 (MANE Select); coding-DNA position 3108, C replaced by A.
Protein change: p.Tyr1036Ter; replaces tyrosine 1036 with a stop codon.
Molecular consequence: nonsense.
Genome position (GRCh38, 1-based): chr7:128,844,182, C>A. VCF-style: chr7-128844182-C-A. GRCh37 (hg19) VCF-style: chr7-128484236-C-A.
Other names: c.3108C>A, p.Tyr1036Ter (NM_001127487.2); short protein forms Y1036*.
Identifiers: ClinVar variation 2950193 (VCV002950193.3), dbSNP rs1808458303, ClinGen allele CA369194373.
Genomic context (GRCh38, chr7:128,844,182, plus strand): 5'-GCCAGGCGGTGGAGCGGAAGCCCAGGCTGTGCGCTACATGCCCCCGGAGGAGGGGCCCTA[C>A]AAGGTGGATATCACCTACGATGGTCACCCGGTGCCTGGCAGCCCGTTTGCTGTGGAGGGT-3'

ClinVar aggregate classification (germline): Pathogenic (1 of 4 stars; one submission).

Conditions:
Myofibrillar myopathy 5. Also called: Filaminopathy (type); FILAMINOPATHY, AUTOSOMAL DOMINANT. Identifiers: Orphanet 171445, MedGen C1836050, MONDO:0012289, OMIM 609524.
Distal myopathy with posterior leg and anterior hand involvement. Also called: WILLIAMS DISTAL MYOPATHY. Identifiers: Orphanet 63273, MedGen C3279722, MONDO:0013550, OMIM 614065.
Hypertrophic cardiomyopathy 26. Also called: Cardiomyopathy, familial hypertrophic, 26. Identifiers: Orphanet 75249, MedGen C4310749, MONDO:0014883, OMIM 617047.

Submission:

Labcorp Genetics (formerly Invitae), Labcorp
Classification: Pathogenic for Distal myopathy with posterior leg and anterior hand involvement; Myofibrillar myopathy 5; Hypertrophic cardiomyopathy 26. Last evaluated: 2025-10-03. Review status: criteria provided, single submitter. Criteria: Invitae Variant Classification Sherloc (09022015). Collection method: clinical testing. Allele origin: germline.
Comment: This sequence change creates a premature translational stop signal (p.Tyr1036*) in the FLNC gene. It is expected to result in an absent or disrupted protein product. Loss-of-function variants in FLNC are known to be pathogenic (PMID: 27908349). This variant is not present in population databases (gnomAD no frequency). This variant has not been reported in the literature in individuals affected with FLNC-related conditions. ClinVar contains an entry for this variant (Variation ID: 2950193). For these reasons, this variant has been classified as Pathogenic.

Literature cited by the submitters: PubMed 27908349.